The following is an entry in ClinVar:

NM_005215.4(DCC):c.2540del (p.Pro847fs)

Gene: DCC (DCC netrin 1 receptor; plus strand). Cytogenetic location: 18q21.2.
Variant type: Deletion.
Coding change: c.2540del on transcript NM_005215.4 (MANE Select); coding-DNA position 2540, one base deleted (C; older notation c.2540delC).
Protein change: p.Pro847fs; shifts the reading frame from proline 847.
Molecular consequence: frameshift variant.
Genome position (GRCh38, 1-based): chr18:53,391,739, C deleted; the last of 2 consecutive C bases (chr18:53,391,738-53,391,739); deleting either gives the same sequence. VCF-style (leftmost placement, unchanged base first): chr18-53391737-AC-A. GRCh37 (hg19) VCF-style: chr18-50918107-AC-A.
Other names: short protein forms P847fs.
Identifiers: ClinVar variation 2473854 (VCV002473854.2), dbSNP rs2511369220, ClinGen allele CA2580095841.

ClinVar aggregate classification (germline): Pathogenic (1 of 4 stars; one submission).

Conditions:
Inborn genetic diseases. Identifiers: MedGen C0950123, MeSH D030342.

Submission:

Ambry Genetics
Classification: Pathogenic for Inborn genetic diseases. Last evaluated: 2023-01-26. Review status: criteria provided, single submitter. Criteria: Ambry Variant Classification Scheme 2023. Collection method: clinical testing. Allele origin: germline.
Comment: The c.2540delC (p.P847Qfs*2) alteration, located in exon 17 (coding exon 17) of the DCC gene, consists of a deletion of one nucleotide at position 2540, causing a translational frameshift with a predicted alternate stop codon after 2 amino acids. This alteration is expected to result in loss of function by premature protein truncation or nonsense-mediated mRNA decay. This variant was not reported in population-based cohorts in the Genome Aggregation Database (gnomAD). Based on the available evidence, this alteration is classified as pathogenic.